The following is an entry in ClinVar:

NM_001321571.2(CAMK2D):c.649G>T (p.Glu217Ter)

Gene: CAMK2D (calcium/calmodulin dependent protein kinase II delta; minus strand). Cytogenetic location: 4q26.
Variant type: single nucleotide variant.
Coding change: c.649G>T on transcript NM_001321571.2 (MANE Select); coding-DNA position 649, G replaced by T.
Protein change: p.Glu217Ter; replaces glutamic acid 217 with a stop codon.
Molecular consequence: nonsense.
Genome position (GRCh38, 1-based): chr4:113,517,610, C>A on the plus strand (G>T on the coding strand, the complement: CAMK2D is on the minus strand). VCF-style: chr4-113517610-C-A. GRCh37 (hg19) VCF-style: chr4-114438766-C-A.
Other names: c.649G>T, p.Glu217Ter (NM_001321582.2, NM_001321583.2, NM_001321584.2 and 33 more transcripts); c.61G>T, p.Glu21Ter (NM_001321585.2, NM_001321578.2, NM_001399865.1); c.532G>T, p.Glu178Ter (NM_001321581.2, NM_001399859.1, NM_001399860.1 and 2 more transcripts); c.262G>T, p.Glu88Ter (NM_001399863.1, NM_001399864.1); short protein forms E178*, E21*, E217*, E88*.
Identifiers: ClinVar variation 3901448 (VCV003901448.2).
Genomic context (GRCh38, chr4:113,517,610, plus strand): 5'-AGTTATTACATACATCATAAGCTCCAGCCTTGATCTGCTGATAGAGTCTGTGTTGGTCTT[C>A]ATCCCAGAAGGGTGGATACCCCACAAGTAGAATATAGAGAATGACACCTGGAGGAGAATA-3'

ClinVar aggregate classification (germline): Uncertain significance (1 of 4 stars; one submission).

Submission:

GeneDx
Classification: Uncertain significance. Last evaluated: 2025-10-27. Review status: criteria provided, single submitter. Criteria: GeneDx Variant Classification Process June 2021. Collection method: clinical testing. Allele origin: germline. Affected: yes.
Comment: Not observed at significant frequency in large population cohorts (gnomAD); Nonsense variant predicted to result in protein truncation or nonsense mediated decay in a gene for which loss-of-function is not an established mechanism of disease; Has not been previously published as pathogenic or benign to our knowledge